The following is an entry in ClinVar:

NM_001371279.1(REEP1):c.341G>A (p.Ser114Asn)

Gene: REEP1 (receptor accessory protein 1; minus strand). Cytogenetic location: 2p11.2.
Variant type: single nucleotide variant.
Coding change: c.341G>A on transcript NM_001371279.1 (MANE Select); coding-DNA position 341, G replaced by A.
Protein change: p.Ser114Asn; replaces serine 114 with asparagine.
Molecular consequence: missense variant. On other transcripts: intron variant (1).
Genome position (GRCh38, 1-based): chr2:86,252,033, C>T on the plus strand (G>A on the coding strand, the complement: REEP1 is on the minus strand). VCF-style: chr2-86252033-C-T. GRCh37 (hg19) VCF-style: chr2-86479156-C-T.
Other names: c.362G>A, p.Ser121Asn (NM_001164730.2); c.260G>A, p.Ser87Asn (NM_001164731.2); c.341G>A, p.Ser114Asn (NM_001371280.1, NM_022912.3); c.182+11932G>A (NM_001164732.2); short protein forms S114N, S121N, S87N.
Identifiers: ClinVar variation 841573 (VCV000841573.1), dbSNP rs1676311757, ClinGen allele CA347716290.

ClinVar aggregate classification (germline): Uncertain significance (1 of 4 stars; one submission).

Conditions:
Hereditary spastic paraplegia 31. Also called: SPASTIC PARAPLEGIA 31, AUTOSOMAL DOMINANT. Identifiers: Orphanet 101011, MedGen C1853247, MONDO:0012453, OMIM 610250.

Submission:

Labcorp Genetics (formerly Invitae), Labcorp
Classification: Uncertain significance for Spastic paraplegia 31, autosomal dominant. Last evaluated: 2019-01-21. Review status: criteria provided, single submitter. Criteria: Invitae Variant Classification Sherloc (09022015). Collection method: clinical testing. Allele origin: germline.
Comment: This sequence change replaces serine with asparagine at codon 114 of the REEP1 protein (p.Ser114Asn). The serine residue is moderately conserved and there is a small physicochemical difference between serine and asparagine. This variant is not present in population databases (ExAC no frequency). This variant has not been reported in the literature in individuals with REEP1-related conditions. Algorithms developed to predict the effect of missense changes on protein structure and function (SIFT, PolyPhen-2, Align-GVGD) all suggest that this variant is likely to be tolerated, but these predictions have not been confirmed by published functional studies and their clinical significance is uncertain. In summary, the available evidence is currently insufficient to determine the role of this variant in disease. Therefore, it has been classified as a Variant of Uncertain Significance.